The following is an entry in ClinVar:

ClinVar aggregate classification (germline): Uncertain significance. Review status: criteria provided, multiple submitters, no conflicts (2 of 4 stars). 2 submissions from 2 submitters: Uncertain significance (2). Last evaluated 2026-01-20.

Conditions:
Inborn genetic diseases. Identifiers: MedGen C0950123, MeSH D030342.

gnomAD v4.1: 10 of 1,612,054 alleles (0.00062%); highest among the groups gnomAD compares: African/African-American, 0.012%; no homozygotes.

Submissions (2):

Labcorp Genetics (formerly Invitae), Labcorp
Classification: Uncertain significance. Last evaluated: 2026-01-20. Review status: criteria provided, single submitter. Criteria: Invitae Variant Classification Sherloc (09022015). Collection method: clinical testing. Allele origin: germline.
Comment: This sequence change replaces aspartic acid, which is acidic and polar, with asparagine, which is neutral and polar, at codon 522 of the COL9A2 protein (p.Asp522Asn). This variant is present in population databases (rs150020975, gnomAD 0.009%). This variant has not been reported in the literature in individuals affected with COL9A2-related conditions. ClinVar contains an entry for this variant (Variation ID: 4005620). Invitae Evidence Modeling of protein sequence and biophysical properties (such as structural, functional, and spatial information, amino acid conservation, physicochemical variation, residue mobility, and thermodynamic stability) indicates that this missense variant is not expected to disrupt COL9A2 protein function with a negative predictive value of 95%. In summary, the available evidence is currently insufficient to determine the role of this variant in disease. Therefore, it has been classified as a Variant of Uncertain Significance.

Ambry Genetics
Classification: Uncertain significance for Inborn genetic diseases. Last evaluated: 2025-04-21. Review status: criteria provided, single submitter. Criteria: Ambry Variant Classification Scheme 2023. Collection method: clinical testing. Allele origin: germline.

NM_001852.4(COL9A2):c.1564G>A (p.Asp522Asn)

Gene: COL9A2 (collagen type IX alpha 2 chain; minus strand). Cytogenetic location: 1p34.2.
Variant type: single nucleotide variant.
Coding change: c.1564G>A on transcript NM_001852.4 (MANE Select); coding-DNA position 1564, G replaced by A.
Protein change: p.Asp522Asn; replaces aspartic acid 522 with asparagine.
Molecular consequence: missense variant.
Genome position (GRCh38, 1-based): chr1:40,303,170, C>T on the plus strand (G>A on the coding strand, the complement: COL9A2 is on the minus strand). VCF-style: chr1-40303170-C-T. GRCh37 (hg19) VCF-style: chr1-40768842-C-T.
Other names: short protein forms D522N.
Identifiers: ClinVar variation 4005620 (VCV004005620.2).
Genomic context (GRCh38, chr1:40,303,170, plus strand): 5'-GGAGGGGTTGCTGCCCCTCACCTTGCAGCATCTTCAGCGCCACATCCACGATGTGCTGGT[C>T]AGTGGCATCCCGGCCCTGAAAGCAGAGGCCTTTCAGGAAGAAGCCCCTGGCTACAAGGGC-3'
Protein context (NP_001843.1, residues 512-532): RQGVEGRDAT[Asp522Asn]QHIVDVALKM